The following is an entry in ClinVar:

ClinVar aggregate classification (germline): Pathogenic/Likely pathogenic. Review status: criteria provided, multiple submitters, no conflicts (2 of 4 stars). 2 submissions from 2 submitters: Pathogenic (1); Likely pathogenic (1). Last evaluated 2023-05-23.

Conditions:
Charcot-Marie-Tooth disease type 4. Also called: Charcot-Marie-Tooth disease, type IV; Charcot-Marie-Tooth, Type 4. Identifiers: Orphanet 64749, MedGen C4082197, MONDO:0018995.
Charcot-Marie-Tooth disease type 4H (CMT4H). Also called: CHARCOT-MARIE-TOOTH DISEASE, DEMYELINATING, TYPE 4H; CHARCOT-MARIE-TOOTH DISEASE, AUTOSOMAL RECESSIVE, TYPE 4H; CHARCOT-MARIE-TOOTH DISEASE, DEMYELINATING, AUTOSOMAL RECESSIVE, TYPE 4H; CHARCOT-MARIE-TOOTH NEUROPATHY, TYPE 4H. Identifiers: Orphanet 99954, MedGen C1836336, MONDO:0012250, OMIM 609311.

Submissions (2):

Department of Pathology and Laboratory Medicine, Sinai Health System
Classification: Likely pathogenic for Charcot-Marie-Tooth disease type 4H. Last evaluated: 2023-05-23. Review status: criteria provided, single submitter. Criteria: ACMG Guidelines, 2015. Collection method: research. Allele origin: germline.

Labcorp Genetics (formerly Invitae), Labcorp
Classification: Pathogenic for Charcot-Marie-Tooth disease type 4. Last evaluated: 2021-10-19. Review status: criteria provided, single submitter. Criteria: Invitae Variant Classification Sherloc (09022015). Collection method: clinical testing. Allele origin: germline.
Comment: This variant has not been reported in the literature in individuals affected with FGD4-related conditions. This variant is not present in population databases (gnomAD no frequency). This sequence change creates a premature translational stop signal (p.Gln507*) in the FGD4 gene. It is expected to result in an absent or disrupted protein product. Loss-of-function variants in FGD4 are known to be pathogenic (PMID: 17564972). Algorithms developed to predict the effect of sequence changes on RNA splicing suggest that this variant may create or strengthen a splice site. For these reasons, this variant has been classified as Pathogenic.

Literature cited by the submitters: PubMed 17564972 (cited by Labcorp Genetics (formerly Invitae), Labcorp).

NM_001370298.3(FGD4):c.1930C>T (p.Gln644Ter)

Gene: FGD4 (FYVE, RhoGEF and PH domain containing 4; plus strand). Cytogenetic location: 12p11.21.
Variant type: single nucleotide variant.
Coding change: c.1930C>T on transcript NM_001370298.3 (MANE Select); coding-DNA position 1930, C replaced by T.
Protein change: p.Gln644Ter; replaces glutamine 644 with a stop codon.
Molecular consequence: nonsense.
Genome position (GRCh38, 1-based): chr12:32,624,429, C>T. VCF-style: chr12-32624429-C-T. GRCh37 (hg19) VCF-style: chr12-32777363-C-T.
Other names: c.1774C>T, p.Gln592Ter (NM_001304481.2); c.775C>T, p.Gln259Ter (NM_001304483.2); c.487C>T, p.Gln163Ter (NM_001304484.2); c.1240C>T, p.Gln414Ter (NM_001330373.2, NM_001330374.2, NM_001384130.1); c.967C>T, p.Gln323Ter (NM_001370297.1); c.1930C>T, p.Gln644Ter (NM_001384126.1); c.1519C>T, p.Gln507Ter (NM_001384127.1, NM_001384128.1, NM_001385118.1 and 1 more transcripts); short protein forms Q507*, Q592*, Q163*, Q414*, Q644*, Q259*, Q323*.
Identifiers: ClinVar variation 1445638 (VCV001445638.7), dbSNP rs2136932206, ClinGen allele CA384365957.
Genomic context (GRCh38, chr12:32,624,429, plus strand): 5'-CAGTGTGAATCATTAATATTATTTACATTCACTTTAATTTTGTTTTATTTTAGTTCTGCG[C>T]AAGACAAAGAAGAATGGATCAAGGTAAGCCTCATTTCTGTTTCCTTTTCTTTCTTTTTTT-3'